The following is an entry in ClinVar:

NM_001349338.3(FOXP1):c.1624C>T (p.Gln542Ter)

Gene: FOXP1 (forkhead box P1; minus strand). Cytogenetic location: 3p13.
Variant type: single nucleotide variant.
Coding change: c.1624C>T on transcript NM_001349338.3 (MANE Select); coding-DNA position 1624, C replaced by T.
Protein change: p.Gln542Ter; replaces glutamine 542 with a stop codon.
Molecular consequence: nonsense. On other transcripts: non-coding transcript variant (2), intron variant (1).
Genome position (GRCh38, 1-based): chr3:70,972,583, G>A on the plus strand (C>T on the coding strand, the complement: FOXP1 is on the minus strand). VCF-style: chr3-70972583-G-A. GRCh37 (hg19) VCF-style: chr3-71021734-G-A.
Other names: c.1621C>T, p.Gln541Ter (NM_001244808.3, NM_001349341.3); c.1396C>T, p.Gln466Ter (NM_001244812.3); c.1324C>T, p.Gln442Ter (NM_001244813.3, NM_001244815.2, NM_001349342.3); c.1624C>T, p.Gln542Ter (NM_001244814.3, NM_001244816.2, NM_001349340.3 and 1 more transcripts); c.1321C>T, p.Gln441Ter (NM_001349337.2, NM_001349343.3, NM_001349344.3 and 1 more transcripts); c.1531-403C>T (NM_001244810.2); short protein forms Q542*, Q441*, Q442*, Q466*, Q541*.
Identifiers: ClinVar variation 194896 (VCV000194896.8), dbSNP rs794727215, ClinGen allele CA302783.

ClinVar aggregate classification (germline): Pathogenic. Review status: criteria provided, multiple submitters, no conflicts (2 of 4 stars). 2 submissions from 2 submitters: Pathogenic (2). Last evaluated 2023-11-11.

Submissions (2):

Labcorp Genetics (formerly Invitae), Labcorp
Classification: Pathogenic. Last evaluated: 2023-11-11. Review status: criteria provided, single submitter. Criteria: Invitae Variant Classification Sherloc (09022015). Collection method: clinical testing. Allele origin: germline.
Comment: This sequence change creates a premature translational stop signal (p.Gln542*) in the FOXP1 gene. It is expected to result in an absent or disrupted protein product. Loss-of-function variants in FOXP1 are known to be pathogenic (PMID: 28735298). This variant is not present in population databases (gnomAD no frequency). This variant has not been reported in the literature in individuals affected with FOXP1-related conditions. ClinVar contains an entry for this variant (Variation ID: 194896). Algorithms developed to predict the effect of sequence changes on RNA splicing suggest that this variant may disrupt the consensus splice site. For these reasons, this variant has been classified as Pathogenic.

Eurofins Ntd Llc (ga)
Classification: Pathogenic. Last evaluated: 2014-11-10. Review status: criteria provided, single submitter. Criteria: EGL Classification Definitions 2015. Collection method: clinical testing. Allele origin: germline. Observed: 1 variant allele, 1 heterozygote.

Literature cited by the submitters: PubMed 28735298 (cited by Labcorp Genetics (formerly Invitae), Labcorp).